The following is an entry in ClinVar:

NM_015311.3(OBSL1):c.1888G>A (p.Gly630Arg)

Gene: OBSL1 (obscurin like cytoskeletal adaptor 1; minus strand). Cytogenetic location: 2q35.
Variant type: single nucleotide variant.
Coding change: c.1888G>A on transcript NM_015311.3 (MANE Select); coding-DNA position 1888, G replaced by A.
Protein change: p.Gly630Arg; replaces glycine 630 with arginine.
Molecular consequence: missense variant.
Genome position (GRCh38, 1-based): chr2:219,567,076, C>T on the plus strand (G>A on the coding strand, the complement: OBSL1 is on the minus strand). VCF-style: chr2-219567076-C-T. GRCh37 (hg19) VCF-style: chr2-220431798-C-T.
Other names: c.1888G>A (NM_015311.2); c.1888G>A, p.Gly630Arg (NM_001173408.2, NM_001173431.2); short protein forms G630R.
Identifiers: ClinVar variation 3383015 (VCV003383015.2).

ClinVar aggregate classification (germline): Uncertain significance. Review status: criteria provided, multiple submitters, no conflicts (2 of 4 stars). 2 submissions from 2 submitters: Uncertain significance (2). Last evaluated 2025-07-01.

Conditions:
3M syndrome 2. Also called: THREE M SYNDROME 2; 3-M Syndrome, OBSL1-Related. Identifiers: Orphanet 2616, MedGen C2752041, MONDO:0013039, OMIM 612921.
Inborn genetic diseases. Identifiers: MedGen C0950123, MeSH D030342.

gnomAD v4.1: 12 of 1,613,100 alleles (0.00074%); highest among the groups gnomAD compares: South Asian, 0.0022%; no homozygotes.

Submissions (2):

Ambry Genetics
Classification: Uncertain significance for Inborn genetic diseases. Last evaluated: 2025-07-01. Review status: criteria provided, single submitter. Criteria: Ambry Variant Classification Scheme 2023. Collection method: clinical testing. Allele origin: germline.

Juno Genomics, Hangzhou Juno Genomics, Inc
Classification: Uncertain significance for 3M syndrome 2. Review status: criteria provided, single submitter. Criteria: ACMG Guidelines, 2015. Collection method: clinical testing. Allele origin: germline. Affected: yes.
Comment: Absent from controls (or at extremely low frequency if recessive) in Genome Aggregation Database, Exome Sequencing Project, 1000 Genomes Project, or Exome Aggregation Consortium.;Patient's phenotype or family history is highly specific for a disease with a single genetic etiology.